The following is an entry in ClinVar:

NM_018993.4(RIN2):c.2623C>T (p.Arg875Cys)

Gene: RIN2 (Ras and Rab interactor 2; plus strand). Cytogenetic location: 20p11.23.
Variant type: single nucleotide variant.
Coding change: c.2623C>T on transcript NM_018993.4 (MANE Select); coding-DNA position 2623, C replaced by T.
Protein change: p.Arg875Cys; replaces arginine 875 with cysteine.
Molecular consequence: missense variant.
Genome position (GRCh38, 1-based): chr20:20,000,871, C>T. VCF-style: chr20-20000871-C-T. GRCh37 (hg19) VCF-style: chr20-19981515-C-T.
Other names: c.2770C>T, p.Arg924Cys (NM_001242581.2); c.2005C>T, p.Arg669Cys (NM_001378238.1); c.2623C>T (NM_018993.3); short protein forms R669C, R875C, R924C.
Identifiers: ClinVar variation 1356304 (VCV001356304.9), dbSNP rs367774147, ClinGen allele CA9780338.

ClinVar aggregate classification (germline): Uncertain significance. Review status: criteria provided, multiple submitters, no conflicts (2 of 4 stars). 3 submissions from 3 submitters: Uncertain significance (3). Last evaluated 2026-01-05.

Conditions:
Inborn genetic diseases. Identifiers: MedGen C0950123, MeSH D030342.

Allele frequency attached by ClinVar (database versions not stated): gnomAD exomes 0.00006 and 0.00011; TOPMed 0.00007; ExAC 0.00008; ESP Exome Variant Server 0.00008.
gnomAD v4.1: 174 of 1,613,886 alleles (0.011%); highest among the groups gnomAD compares: Non-Finnish European, 0.014%; no homozygotes.

Submissions (3):

Labcorp Genetics (formerly Invitae), Labcorp
Classification: Uncertain significance. Last evaluated: 2026-01-05. Review status: criteria provided, single submitter. Criteria: Invitae Variant Classification Sherloc (09022015). Collection method: clinical testing. Allele origin: germline.
Comment: This sequence change replaces arginine, which is basic and polar, with cysteine, which is neutral and slightly polar, at codon 875 of the RIN2 protein (p.Arg875Cys). This variant is present in population databases (rs367774147, gnomAD 0.01%). This variant has not been reported in the literature in individuals affected with RIN2-related conditions. ClinVar contains an entry for this variant (Variation ID: 1356304). Experimental studies and prediction algorithms are not available or were not evaluated, and the functional significance of this variant is currently unknown. In summary, the available evidence is currently insufficient to determine the role of this variant in disease. Therefore, it has been classified as a Variant of Uncertain Significance.

Ambry Genetics
Classification: Uncertain significance for Inborn genetic diseases. Last evaluated: 2025-05-01. Review status: criteria provided, single submitter. Criteria: Ambry Variant Classification Scheme 2023. Collection method: clinical testing. Allele origin: germline.

GeneDx
Classification: Uncertain significance. Last evaluated: 2024-05-22. Review status: criteria provided, single submitter. Criteria: GeneDx Variant Classification Process June 2021. Collection method: clinical testing. Allele origin: germline. Affected: yes.
Comment: Not observed at significant frequency in large population cohorts (gnomAD); In silico analysis supports that this missense variant has a deleterious effect on protein structure/function; Has not been previously published as pathogenic or benign to our knowledge